The following is an entry in ClinVar:

NM_001330260.2(SCN8A):c.417G>A (p.Met139Ile)

Gene: SCN8A (sodium voltage-gated channel alpha subunit 8; plus strand). Cytogenetic location: 12q13.13.
Variant type: single nucleotide variant.
Coding change: c.417G>A on transcript NM_001330260.2 (MANE Select); coding-DNA position 417, G replaced by A.
Protein change: p.Met139Ile; replaces methionine 139 with isoleucine.
Molecular consequence: missense variant.
Genome position (GRCh38, 1-based): chr12:51,686,389, G>A. VCF-style: chr12-51686389-G-A. GRCh37 (hg19) VCF-style: chr12-52080173-G-A.
Other names: c.417G>A, p.Met139Ile (NM_001177984.3, NM_001369788.1, NM_014191.4); c.417G>A (NM_001330260.1); short protein forms M139I.
Identifiers: ClinVar variation 569559 (VCV000569559.12), dbSNP rs1565886685, ClinGen allele CA385221600.
Genomic context (GRCh38, chr12:51,686,389, plus strand): 5'-CAGGCCAGATTTTAATATTGCCCCTTGACTCTTCTCTACAGTATTTAGCATGATCATTAT[G>A]TGCACTATTTTGACCAACTGTGTATTCATGACTTTTAGTAACCCTCCTGACTGGTCGAAG-3'
Protein context (NP_001317189.1, residues 129-149): LIHSVFSMII[Met139Ile]CTILTNCVFM

ClinVar aggregate classification (germline): Pathogenic. Review status: criteria provided, multiple submitters, no conflicts (2 of 4 stars). 3 submissions from 3 submitters: Pathogenic (3). Last evaluated 2025-04-20.

Conditions:
Cognitive impairment with or without cerebellar ataxia (CIAT). Identifiers: MedGen C3280415, MONDO:0013680, OMIM 614306.
Early-infantile DEE. Also called: Ohtahara syndrome; Early infantile epileptic encephalopathy; Early infantile epileptic encephalopathy with suppression bursts. Identifiers: Orphanet 1934, MedGen C0393706, MONDO:0800491.

Submissions (3):

GeneDx
Classification: Pathogenic. Last evaluated: 2025-04-20. Review status: criteria provided, single submitter. Criteria: GeneDx Variant Classification Process June 2021. Collection method: clinical testing. Allele origin: germline. Affected: yes.
Comment: Published functional studies demonstrate a gain-of-function effect (PMID: 31402610); Not observed at significant frequency in large population cohorts (gnomAD); In silico analysis supports that this missense variant has a deleterious effect on protein structure/function; This variant is associated with the following publications: (PMID: Parthasarathy2024[preprint], Yang2022[review], 31402610)

Victorian Clinical Genetics Services, Murdoch Childrens Research Institute
Classification: Pathogenic for Cognitive impairment with or without cerebellar ataxia. Last evaluated: 2024-09-20. Review status: criteria provided, single submitter. Criteria: ACMG Guidelines, 2015. Collection method: clinical testing. Allele origin: germline. Inheritance: Autosomal dominant inheritance. Affected: yes.
Comment: Based on the classification scheme VCGS_Germline_v1.3.4, this variant is classified as Pathogenic. Following criteria are met: 0103 - Loss of function and gain of function are known mechanisms of disease in this gene, and are associated with cognitive impairment with or without cerebellar ataxia (MIM#614306) and developmental and epileptic encephalopathy 13 (MIM#614558), respectively. In addition, gain of function is speculated for seizures, benign familial infantile, 5 (MIM#617080) (PMID: 31904124, OMIM). (I) 0107 - This gene is associated with autosomal dominant disease. (I) 0200 - Variant is predicted to result in a missense amino acid change from methionine to isoleucine. (I) 0251 - This variant is heterozygous. (I) 0301 - Variant is absent from gnomAD (both v2 and v3). (SP) 0502 - Missense variant with conflicting in silico predictions and uninformative conservation. (I) 0603 - Missense variant in a region that is highly intolerant to missense variation (high constraint region in DECIPHER). (SP) 0705 - No comparable missense variants have previous evidence for pathogenicity. (I) 0802 - This variant has moderate previous evidence of pathogenicity in unrelated individuals. This variant has been classified as pathogenic by a clinical laboratory in ClinVar, and has been observed as de novo in an individual with seizures and mild developmental delay in the literature (PMID: 31402610). (SP) Legend: (SP) - Supporting pathogenic, (I) - Information, (SB) - Supporting benign

Labcorp Genetics (formerly Invitae), Labcorp
Classification: Pathogenic for Early-infantile DEE. Last evaluated: 2020-10-06. Review status: criteria provided, single submitter. Criteria: Invitae Variant Classification Sherloc (09022015). Collection method: clinical testing. Allele origin: germline.
Comment: This sequence change replaces methionine with isoleucine at codon 139 of the SCN8A protein (p.Met139Ile). The methionine residue is highly conserved and there is a small physicochemical difference between methionine and isoleucine. Experimental studies have shown that this variant affects SCN8A protein function (PMID: 31402610). This variant has been observed in individual(s) with clinical features of SCN8A-related conditions (PMID: 31402610, Invitae). In at least one individual the variant was observed to be de novo. ClinVar contains an entry for this variant (Variation ID: 569559). This variant is not present in population databases (ExAC no frequency). For these reasons, this variant has been classified as Pathogenic.

Literature cited by the submitters: PubMed 31402610 (cited by Victorian Clinical Genetics Services, Murdoch Childrens Research Institute and Labcorp Genetics (formerly Invitae), Labcorp); PubMed 31904124 (cited by Victorian Clinical Genetics Services, Murdoch Childrens Research Institute).